The following is an entry in ClinVar:

ClinVar aggregate classification (germline): Likely benign. Review status: criteria provided, single submitter (1 of 4 stars). 3 submissions from 3 submitters: Likely benign (1). 2 of the submissions do not count toward it. Last evaluated 2025-12-20.

Conditions:
NEB-related disorder. Also called: NEB-related condition; NEB-Related Disorders.
Nemaline myopathy 2 (NEM2). Also called: Nemaline myopathy 2, autosomal recessive. Identifiers: MedGen C1850569, MONDO:0009725, OMIM 256030.

Allele frequency attached by ClinVar (database versions not stated): gnomAD exomes 0.00001 and 0.00002; ExAC 0.00002; gnomAD 0.00004; TOPMed 0.00005; ESP Exome Variant Server 0.00017.
gnomAD v4.1: 26 of 1,613,734 alleles (0.0016%); highest among the groups gnomAD compares: African/African-American, 0.008%; no homozygotes.

Submissions (3):

Labcorp Genetics (formerly Invitae), Labcorp
Classification: Likely benign for Nemaline myopathy 2. Last evaluated: 2025-12-20. Review status: criteria provided, single submitter. Criteria: Invitae Variant Classification Sherloc (09022015). Collection method: clinical testing. Allele origin: germline.

PreventionGenetics, part of Exact Sciences
Classification: Likely benign for NEB-related condition. Last evaluated: 2023-07-27. Review status: no assertion criteria provided. Collection method: clinical testing. Allele origin: germline. Not counted in ClinVar's aggregate classification.
Comment: This variant is classified as likely benign based on ACMG/AMP sequence variant interpretation guidelines (Richards et al. 2015 PMID: 25741868, with internal and published modifications).

Natera, Inc.
Classification: Uncertain significance for Nemaline myopathy type 2. Last evaluated: 2020-08-14. Review status: no assertion criteria provided. Collection method: clinical testing. Allele origin: germline. Not counted in ClinVar's aggregate classification.

NM_001164508.2(NEB):c.7677C>T (p.Leu2559=)

Gene: NEB (nebulin; minus strand). Cytogenetic location: 2q23.3.
Variant type: single nucleotide variant.
Coding change: c.7677C>T on transcript NM_001164508.2 (MANE Select); coding-DNA position 7677, C replaced by T.
Protein change: p.Leu2559=; no amino-acid change (leucine 2559 retained).
Molecular consequence: synonymous variant.
Genome position (GRCh38, 1-based): chr2:151,644,097, G>A on the plus strand (C>T on the coding strand, the complement: NEB is on the minus strand). VCF-style: chr2-151644097-G-A. GRCh37 (hg19) VCF-style: chr2-152500611-G-A.
Other names: c.7677C>T, p.Leu2559= (NM_001164507.2, NM_001271208.2, NM_004543.5).
Identifiers: ClinVar variation 705630 (VCV000705630.14), dbSNP rs371565168, ClinGen allele CA1909778.
Genomic context (GRCh38, chr2:151,644,097, plus strand): 5'-ATGCATGGACCACATCATCTTGGGGTCATCTTCAATGTTCCGGGCACCAATGTGGTGGCC[G>A]AGCTGCTTGCGAAAGCCTTCCTTGTACTTGTACTAGAGAAAAAAAATGTGTCTCATTCCT-3'
Protein context (NP_001157980.2, residues 2549-2569): YKYKEGFRKQ[Leu2559=]GHHIGARNIE